The following is an entry in ClinVar:

ClinVar aggregate classification (germline): Benign/Likely benign. Review status: criteria provided, multiple submitters, no conflicts (2 of 4 stars). 2 submissions from 2 submitters: Benign (1); Likely benign (1). Last evaluated 2025-01-16.

Conditions:
Familial cancer of breast. Also called: hereditary breast carcinoma; BREAST CANCER, FAMILIAL; Hereditary breast cancer. Identifiers: Orphanet 227535, MedGen C0346153, MONDO:0016419, OMIM 114480. Disease mechanism: loss of function.

Submissions (2):

Myriad Genetics, Inc.
Classification: Benign for Familial cancer of breast. Last evaluated: 2025-01-16. Review status: criteria provided, single submitter. Criteria: Myriad Autosomal Dominant, Autosomal Recessive and X-Linked Classification Criteria (2023). Collection method: clinical testing. Allele origin: unknown.
Comment: This variant is considered benign. This variant is a silent/synonymous amino acid change and it is not expected to impact splicing.

Labcorp Genetics (formerly Invitae), Labcorp
Classification: Likely benign for Familial cancer of breast. Last evaluated: 2022-02-03. Review status: criteria provided, single submitter. Criteria: Invitae Variant Classification Sherloc (09022015). Collection method: clinical testing. Allele origin: germline.

NM_024675.4(PALB2):c.2379C>G (p.Gly793=)

Gene: PALB2 (partner and localizer of BRCA2; minus strand). Cytogenetic location: 16p12.2.
Variant type: single nucleotide variant.
Coding change: c.2379C>G on transcript NM_024675.4 (MANE Select); coding-DNA position 2379, C replaced by G.
Protein change: p.Gly793=; no amino-acid change (glycine 793 retained).
Molecular consequence: synonymous variant. On other transcripts: intron variant (1).
Genome position (GRCh38, 1-based): chr16:23,629,775, G>C on the plus strand (C>G on the coding strand, the complement: PALB2 is on the minus strand). VCF-style: chr16-23629775-G-C. GRCh37 (hg19) VCF-style: chr16-23641096-G-C.
Other names: c.2319C>G, p.Gly773= (NM_001407296.1); c.2379C>G, p.Gly793= (NM_001407297.1, NM_001407298.1, NM_001407299.1 and 3 more transcripts); c.1494C>G, p.Gly498= (NM_001407304.1, NM_001407305.1, NM_001407306.1 and 5 more transcripts); c.591C>G, p.Gly197= (NM_001407312.1, NM_001407313.1); c.49-500C>G (NM_001407314.1).
Identifiers: ClinVar variation 2092273 (VCV002092273.5), dbSNP rs377626805, ClinGen allele CA494460940.